The following is an entry in ClinVar:

ClinVar aggregate classification (germline): Pathogenic (1 of 4 stars; one submission).

Submission:

GeneDx
Classification: Pathogenic. Last evaluated: 2024-07-31. Review status: criteria provided, single submitter. Criteria: GeneDx Variant Classification Process June 2021. Collection method: clinical testing. Allele origin: germline. Affected: yes.
Comment: In silico analysis supports that this missense variant has a deleterious effect on protein structure/function; Not observed at significant frequency in large population cohorts (gnomAD); This variant is associated with the following publications: (PMID: Bi2024[CaseReport])

NM_001356.5(DDX3X):c.607C>T (p.Pro203Ser)

Gene: DDX3X (DEAD-box helicase 3 X-linked; plus strand). Cytogenetic location: Xp11.4.
Variant type: single nucleotide variant.
Coding change: c.607C>T on transcript NM_001356.5 (MANE Select); coding-DNA position 607, C replaced by T.
Protein change: p.Pro203Ser; replaces proline 203 with serine.
Molecular consequence: missense variant. On other transcripts: non-coding transcript variant (1).
Genome position (GRCh38, 1-based): chrX:41,343,279, C>T. VCF-style: chrX-41343279-C-T. GRCh37 (hg19) VCF-style: chrX-41202532-C-T.
Other names: c.607C>T, p.Pro203Ser (NM_001193416.3); c.559C>T, p.Pro187Ser (NM_001193417.3); c.49C>T, p.Pro17Ser (NM_001363819.1); short protein forms P17S, P187S, P203S.
Identifiers: ClinVar variation 3602928 (VCV003602928.1).
Genomic context (GRCh38, chrX:41,343,279, plus strand): 5'-AGTGATGTTGAGATGGGAGAAATTATCATGGGAAACATTGAGCTTACTCGTTATACTCGC[C>T]CAACTCCAGTGCAAAAGCATGCTATTCCTATTATCAAAGAGAAAAGAGACTTGATGGCTT-3'
Protein context (NP_001347.3, residues 193-213): GNIELTRYTR[Pro203Ser]TPVQKHAIPI